The following is an entry in ClinVar:

ClinVar aggregate classification (germline): Uncertain significance. Review status: criteria provided, multiple submitters, no conflicts (2 of 4 stars). 3 submissions from 3 submitters: Uncertain significance (3). Last evaluated 2026-02-24.

Allele frequency attached by ClinVar (database versions not stated): ExAC 0.00001; gnomAD exomes 0.00001; gnomAD 0.00002; TOPMed 0.00002.
gnomAD v4.1: 7 of 1,613,492 alleles (0.00043%); highest among the groups gnomAD compares: African/African-American, 0.008%; no homozygotes.

Submissions (3):

Ambry Genetics
Classification: Uncertain significance. Last evaluated: 2026-02-24. Review status: criteria provided, single submitter. Criteria: Ambry Variant Classification Scheme 2023. Collection method: clinical testing. Allele origin: germline.
Comment: The p.N167S variant (also known as c.500A>G), located in coding exon 4 of the RNF43 gene, results from an A to G substitution at nucleotide position 500. The asparagine at codon 167 is replaced by serine, an amino acid with highly similar properties. This amino acid position is conserved. In addition, this alteration is predicted to be tolerated by in silico analysis. Based on the available evidence, the clinical significance of this variant remains unclear.

Labcorp Genetics (formerly Invitae), Labcorp
Classification: Uncertain significance. Last evaluated: 2025-08-11. Review status: criteria provided, single submitter. Criteria: Invitae Variant Classification Sherloc (09022015). Collection method: clinical testing. Allele origin: germline.
Comment: This sequence change replaces asparagine, which is neutral and polar, with serine, which is neutral and polar, at codon 167 of the RNF43 protein (p.Asn167Ser). This variant is present in population databases (rs780526844, gnomAD 0.01%). This variant has not been reported in the literature in individuals affected with RNF43-related conditions. ClinVar contains an entry for this variant (Variation ID: 1989296). An algorithm developed to predict the effect of missense changes on protein structure and function outputs the following: PolyPhen-2: "Benign". The serine amino acid residue is found in multiple mammalian species, which suggests that this missense change does not adversely affect protein function. In summary, the available evidence is currently insufficient to determine the role of this variant in disease. Therefore, it has been classified as a Variant of Uncertain Significance.

GeneDx
Classification: Uncertain significance. Last evaluated: 2022-12-22. Review status: criteria provided, single submitter. Criteria: GeneDx Variant Classification Process June 2021. Collection method: clinical testing. Allele origin: germline. Affected: yes.
Comment: Not observed at significant frequency in large population cohorts (gnomAD); In silico analysis supports that this missense variant does not alter protein structure/function; Has not been previously published as pathogenic or benign to our knowledge; Variants in candidate genes are classified as variants of uncertain significance in accordance with ACMG guidelines (Richards et al., 2015)

NM_017763.6(RNF43):c.500A>G (p.Asn167Ser)

Gene: RNF43 (ring finger protein 43; minus strand). Cytogenetic location: 17q22.
Variant type: single nucleotide variant.
Coding change: c.500A>G on transcript NM_017763.6 (MANE Select); coding-DNA position 500, A replaced by G.
Protein change: p.Asn167Ser; replaces asparagine 167 with serine.
Molecular consequence: missense variant.
Genome position (GRCh38, 1-based): chr17:58,363,357, T>C on the plus strand (A>G on the coding strand, the complement: RNF43 is on the minus strand). VCF-style: chr17-58363357-T-C. GRCh37 (hg19) VCF-style: chr17-56440718-T-C.
Other names: c.500A>G, p.Asn167Ser (NM_001305544.3); c.119A>G, p.Asn40Ser (NM_001305545.2); short protein forms N167S, N40S.
Identifiers: ClinVar variation 1989296 (VCV001989296.8), dbSNP rs780526844, ClinGen allele CA8673400.